The following is an entry in ClinVar:

NM_001127222.2(CACNA1A):c.7219C>T (p.His2407Tyr)

Gene: CACNA1A (calcium voltage-gated channel subunit alpha1 A; minus strand). Cytogenetic location: 19p13.13.
Variant type: single nucleotide variant.
Coding change: c.7219C>T on transcript NM_001127222.2 (MANE Select); coding-DNA position 7219, C replaced by T.
Protein change: p.His2407Tyr; replaces histidine 2407 with tyrosine.
Molecular consequence: missense variant. On other transcripts: 3 prime UTR variant (3).
Genome position (GRCh38, 1-based): chr19:13,207,615, G>A on the plus strand (C>T on the coding strand, the complement: CACNA1A is on the minus strand). VCF-style: chr19-13207615-G-A. GRCh37 (hg19) VCF-style: chr19-13318429-G-A.
Other names: c.*431C>T (NM_000068.4, NM_001127221.2, NM_001174080.2); c.7237C>T, p.His2413Tyr (NM_023035.3); short protein forms H2407Y, H2413Y.
Identifiers: ClinVar variation 3239441 (VCV003239441.19), dbSNP rs2512506189.

ClinVar aggregate classification (germline): Uncertain significance (1 of 4 stars; one submission).

Allele frequency attached by ClinVar (database versions not stated): gnomAD exomes below 0.00001.
gnomAD v4.1: 2 of 1,480,472 alleles (0.00014%); highest among the groups gnomAD compares: Non-Finnish European, 0.00018%; no homozygotes.

Submission:

CeGaT Center for Human Genetics Tuebingen
Classification: Uncertain significance. Last evaluated: 2024-05-01. Review status: criteria provided, single submitter. Criteria: CeGaT Center For Human Genetics Tuebingen Variant Classification Criteria Version 2. Collection method: clinical testing. Allele origin: germline. Affected: yes. Observed: 1 variant allele.
Comment: CACNA1A: PM2, PP3